The following is an entry in ClinVar:

ClinVar aggregate classification (germline): Uncertain significance (1 of 4 stars; one submission).

Conditions:
Autoimmune interstitial lung disease-arthritis syndrome. Also called: Autoinflammation and autoimmunity, systemic, with immune dysregulation. Identifiers: Orphanet 444092, MedGen C5975714, MONDO:0014629.

Submission:

Labcorp Genetics (formerly Invitae), Labcorp
Classification: Uncertain significance for Autoimmune interstitial lung disease-arthritis syndrome. Last evaluated: 2025-01-06. Review status: criteria provided, single submitter. Criteria: Invitae Variant Classification Sherloc (09022015). Collection method: clinical testing. Allele origin: germline.
Comment: This sequence change replaces proline, which is neutral and non-polar, with histidine, which is basic and polar, at codon 977 of the COPA protein (p.Pro977His). This variant is not present in population databases (gnomAD no frequency). This variant has not been reported in the literature in individuals affected with COPA-related conditions. ClinVar contains an entry for this variant (Variation ID: 1963088). Invitae Evidence Modeling of protein sequence and biophysical properties (such as structural, functional, and spatial information, amino acid conservation, physicochemical variation, residue mobility, and thermodynamic stability) indicates that this missense variant is expected to disrupt COPA protein function with a positive predictive value of 80%. In summary, the available evidence is currently insufficient to determine the role of this variant in disease. Therefore, it has been classified as a Variant of Uncertain Significance.

NM_004371.4(COPA):c.2930C>A (p.Pro977His)

Gene: COPA (coat protein complex I subunit alpha; minus strand). Cytogenetic location: 1q23.2.
Variant type: single nucleotide variant.
Coding change: c.2930C>A on transcript NM_004371.4 (MANE Select); coding-DNA position 2930, C replaced by A.
Protein change: p.Pro977His; replaces proline 977 with histidine.
Molecular consequence: missense variant.
Genome position (GRCh38, 1-based): chr1:160,292,514, G>T on the plus strand (C>A on the coding strand, the complement: COPA is on the minus strand). VCF-style: chr1-160292514-G-T. GRCh37 (hg19) VCF-style: chr1-160262304-G-T.
Other names: c.2957C>A, p.Pro986His (NM_001098398.2); short protein forms P977H, P986H.
Identifiers: ClinVar variation 1963088 (VCV001963088.5), dbSNP rs2525350505, ClinGen allele CA343272798.